The following is an entry in ClinVar:

NM_004168.4(SDHA):c.1065-17G>A

Gene: SDHA (succinate dehydrogenase complex flavoprotein subunit A; plus strand). Cytogenetic location: 5p15.33.
Variant type: single nucleotide variant.
Coding change: c.1065-17G>A on transcript NM_004168.4 (MANE Select); 17 bases into the intron before coding-DNA position 1065, G replaced by A.
Molecular consequence: intron variant.
Genome position (GRCh38, 1-based): chr5:235,127, G>A. VCF-style: chr5-235127-G-A. GRCh37 (hg19) VCF-style: chr5-235242-G-A.
Other names: c.1065-17G>A (NM_001330758.2); c.921-17G>A (NM_001294332.2).
Identifiers: ClinVar variation 1531961 (VCV001531961.9), dbSNP rs1268945057, ClinGen allele CA557397528.

ClinVar aggregate classification (germline): Likely benign. Review status: criteria provided, multiple submitters, no conflicts (2 of 4 stars). 2 submissions from 2 submitters: Likely benign (2). Last evaluated 2025-03-07.

Conditions:
Pheochromocytoma/paraganglioma syndrome 5. Also called: Paragangliomas 5; SDHA-Related Hereditary Paraganglioma-Pheochromocytoma Syndrome. Identifiers: Orphanet 29072, MedGen C3279992, MONDO:0013602, OMIM 614165.
Mitochondrial complex II deficiency, nuclear type 1. Also called: SUCCINATE CoQ REDUCTASE DEFICIENCY. Identifiers: Orphanet 3208, MedGen C5700310, MONDO:0100294, OMIM 252011.

Allele frequency attached by ClinVar (database versions not stated): gnomAD exomes below 0.00001; gnomAD 0.00001; TOPMed 0.00002.
gnomAD v4.1: 1 of 1,612,862 alleles (0.000062%); highest among the groups gnomAD compares: African/African-American, 0.0013%; no homozygotes.

Submissions (2):

Myriad Genetics, Inc.
Classification: Likely benign for Pheochromocytoma/paraganglioma syndrome 5. Last evaluated: 2025-03-07. Review status: criteria provided, single submitter. Criteria: Myriad Autosomal Dominant, Autosomal Recessive and X-Linked Classification Criteria (2023). Collection method: clinical testing. Allele origin: unknown.
Comment: This variant is considered likely benign. This variant is intronic and is not expected to impact mRNA splicing.

Labcorp Genetics (formerly Invitae), Labcorp
Classification: Likely benign for Pheochromocytoma/paraganglioma syndrome 5; Mitochondrial complex II deficiency, nuclear type 1. Last evaluated: 2024-12-12. Review status: criteria provided, single submitter. Criteria: Invitae Variant Classification Sherloc (09022015). Collection method: clinical testing. Allele origin: germline.